The following is an entry in ClinVar:

ClinVar aggregate classification (germline): Uncertain significance. Review status: criteria provided, multiple submitters, no conflicts (2 of 4 stars). 2 submissions from 2 submitters: Uncertain significance (2). Last evaluated 2025-10-13.

Conditions:
Adams-Oliver syndrome 5 (AOS5). Identifiers: Orphanet 974, MedGen C4014970, MONDO:0014459, OMIM 616028.
Familial thoracic aortic aneurysm and aortic dissection (TAAD). Also called: Thoracic aortic aneurysms and dissections. Identifiers: Orphanet 91387, MedGen C4707243, MONDO:0019625.

gnomAD v4.1: 5 of 1,611,994 alleles (0.00031%); highest among the groups gnomAD compares: Admixed American, 0.0017%; no homozygotes.

Submissions (2):

Labcorp Genetics (formerly Invitae), Labcorp
Classification: Uncertain significance for Adams-Oliver syndrome 5. Last evaluated: 2025-10-13. Review status: criteria provided, single submitter. Criteria: Invitae Variant Classification Sherloc (09022015). Collection method: clinical testing. Allele origin: germline.
Comment: This sequence change replaces alanine, which is neutral and non-polar, with threonine, which is neutral and polar, at codon 1952 of the NOTCH1 protein (p.Ala1952Thr). This variant is not present in population databases (gnomAD no frequency). This variant has not been reported in the literature in individuals affected with NOTCH1-related conditions. ClinVar contains an entry for this variant (Variation ID: 3406811). Invitae Evidence Modeling of protein sequence and biophysical properties (such as structural, functional, and spatial information, amino acid conservation, physicochemical variation, residue mobility, and thermodynamic stability) indicates that this missense variant is expected to disrupt NOTCH1 protein function with a positive predictive value of 80%. In summary, the available evidence is currently insufficient to determine the role of this variant in disease. Therefore, it has been classified as a Variant of Uncertain Significance.

Ambry Genetics
Classification: Uncertain significance for Familial thoracic aortic aneurysm and aortic dissection. Last evaluated: 2024-09-08. Review status: criteria provided, single submitter. Criteria: Ambry Variant Classification Scheme 2023. Collection method: clinical testing. Allele origin: germline.
Comment: The p.A1952T variant (also known as c.5854G>A), located in coding exon 31 of the NOTCH1 gene, results from a G to A substitution at nucleotide position 5854. The alanine at codon 1952 is replaced by threonine, an amino acid with similar properties. This amino acid position is conserved. In addition, the in silico prediction for this alteration is inconclusive. Based on the available evidence, the clinical significance of this variant remains unclear.

NM_017617.5(NOTCH1):c.5854G>A (p.Ala1952Thr)

Gene: NOTCH1 (notch receptor 1; minus strand). Cytogenetic location: 9q34.3.
Variant type: single nucleotide variant.
Coding change: c.5854G>A on transcript NM_017617.5 (MANE Select); coding-DNA position 5854, G replaced by A.
Protein change: p.Ala1952Thr; replaces alanine 1952 with threonine.
Molecular consequence: missense variant.
Genome position (GRCh38, 1-based): chr9:136,500,632, C>T on the plus strand (G>A on the coding strand, the complement: NOTCH1 is on the minus strand). VCF-style: chr9-136500632-C-T. GRCh37 (hg19) VCF-style: chr9-139395084-C-T.
Other names: short protein forms A1952T.
Identifiers: ClinVar variation 3406811 (VCV003406811.2).